The following is an entry in ClinVar:

NM_000474.4(TWIST1):c.245GCG[7] (p.Gly85_Gly86dup)

Gene: TWIST1 (twist family bHLH transcription factor 1; minus strand). Cytogenetic location: 7p21.1.
Variant type: Microsatellite.
Coding change: c.245GCG[7] on transcript NM_000474.4 (MANE Select); seven copies in a row of the 3-base unit GCG starting at c.245; the reference has five copies in a row; two copies, 6 bases duplicated.
Protein change: p.Gly85_Gly86dup.
Molecular consequence: inframe insertion. On other transcripts: non-coding transcript variant (1).
Genome position (GRCh38, 1-based): chr7:19,117,063-19,117,068, CGCCGC duplicated on the plus strand (GCGGCG on the coding strand, the reverse complement: TWIST1 is on the minus strand); duplicating any 6 consecutive bases within chr7:19,117,063-19,117,078 gives the same sequence; the position shown is the placement nearest the transcript's 3' end. VCF-style (leftmost placement, unchanged base first): chr7-19117062-G-GCGCCGC. GRCh37 (hg19) VCF-style: chr7-19156685-G-GCGCCGC.
Identifiers: ClinVar variation 1392697 (VCV001392697.8), dbSNP rs754552080, ClinGen allele CA573294075.

ClinVar aggregate classification (germline): Uncertain significance (1 of 4 stars; one submission).

Conditions:
TWIST1-related craniosynostosis (CRS1). Also called: CRANIOSYNOSTOSIS 1. Identifiers: Orphanet 63440, MedGen C4551902, MONDO:0007399, OMIM 123100. Inheritance: Heterogenous inheritance pattern.
Saethre-Chotzen syndrome (SCS). Also called: ACROCEPHALY, SKULL ASYMMETRY, AND MILD SYNDACTYLY; ACS III; CHOTZEN SYNDROME. Identifiers: Orphanet 794, MedGen C0175699, MONDO:0007042, OMIM 101400.

Submission:

Labcorp Genetics (formerly Invitae), Labcorp
Classification: Uncertain significance for TWIST1-related craniosynostosis; Saethre-Chotzen syndrome. Last evaluated: 2025-01-06. Review status: criteria provided, single submitter. Criteria: Invitae Variant Classification Sherloc (09022015). Collection method: clinical testing. Allele origin: germline.
Comment: This variant, c.254_259dup, results in the insertion of 2 amino acid(s) of the TWIST1 protein (p.Gly85_Gly86dup), but otherwise preserves the integrity of the reading frame. The frequency data for this variant in the population databases is considered unreliable, as metrics indicate poor data quality at this position in the gnomAD database. This variant has not been reported in the literature in individuals affected with TWIST1-related conditions. Experimental studies and prediction algorithms are not available or were not evaluated, and the functional significance of this variant is currently unknown. In summary, the available evidence is currently insufficient to determine the role of this variant in disease. Therefore, it has been classified as a Variant of Uncertain Significance.